The following is an entry in ClinVar:

NM_000088.4(COL1A1):c.725del (p.Gly242fs)

Genes: COL1A1 (collagen type I alpha 1 chain; minus strand), LOC126862586 (CDK7 strongly-dependent group 2 enhancer GRCh37_chr17:48273702-48274901; plus strand). Cytogenetic location: 17q21.33.
Variant type: Deletion.
Coding change: c.725del on transcript NM_000088.4 (MANE Select); coding-DNA position 725, one base deleted (G; older notation c.725delG).
Protein change: p.Gly242fs; shifts the reading frame from glycine 242.
Molecular consequence: frameshift variant.
Genome position (GRCh38, 1-based): chr17:50,197,205, C deleted on the plus strand (G on the coding strand, the reverse complement: COL1A1 is on the minus strand); the first of 2 consecutive C bases (chr17:50,197,205-50,197,206); deleting either gives the same sequence. VCF-style (leftmost placement, unchanged base first): chr17-50197204-AC-A. GRCh37 (hg19) VCF-style: chr17-48274565-AC-A.
Other names: short protein forms G242fs.
Identifiers: ClinVar variation 2693208 (VCV002693208.3), dbSNP rs2509242047, ClinGen allele CA2697560377.

ClinVar aggregate classification (germline): Pathogenic (1 of 4 stars; one submission).

Conditions:
Osteogenesis imperfecta type I (OI1). Also called: Lobstein's Disease; Lobstein disease; Osteogenesis imperfecta type 1; Classic Non-deforming Osteogenesis Imperfecta with Blue Sclerae; OI, TYPE I; OSTEOGENESIS IMPERFECTA TARDA. Identifiers: Orphanet 216796, Orphanet 666, MedGen C0023931, MONDO:0008146, OMIM 166200. Disease mechanism: loss of function.

Submission:

Labcorp Genetics (formerly Invitae), Labcorp
Classification: Pathogenic for Osteogenesis imperfecta type I. Last evaluated: 2025-06-27. Review status: criteria provided, single submitter. Criteria: Invitae Variant Classification Sherloc (09022015). Collection method: clinical testing. Allele origin: germline.
Comment: This sequence change creates a premature translational stop signal (p.Gly242Valfs*23) in the COL1A1 gene. It is expected to result in an absent or disrupted protein product. Loss-of-function variants in COL1A1 are known to be pathogenic (PMID: 7942841, 9295084, 9443882). This variant is not present in population databases (gnomAD no frequency). This variant has not been reported in the literature in individuals affected with COL1A1-related conditions. ClinVar contains an entry for this variant (Variation ID: 2693208). For these reasons, this variant has been classified as Pathogenic.

Literature cited by the submitters: PubMed 7942841; PubMed 9295084; PubMed 9443882.